The following is an entry in ClinVar:

NM_177972.3(TUB):c.826A>G (p.Met276Val)

Genes: RIC3 (RIC3 acetylcholine receptor chaperone; minus strand), TUB (TUB bipartite transcription factor; plus strand). Cytogenetic location: 11p15.4.
Variant type: single nucleotide variant.
Coding change: c.826A>G on transcript NM_177972.3 (MANE Select); coding-DNA position 826, A replaced by G.
Protein change: p.Met276Val; replaces methionine 276 with valine.
Molecular consequence: missense variant.
Genome position (GRCh38, 1-based): chr11:8,097,366, A>G. VCF-style: chr11-8097366-A-G. GRCh37 (hg19) VCF-style: chr11-8118913-A-G.
Other names: c.991A>G, p.Met331Val (NM_003320.5); short protein forms M276V, M331V.
Identifiers: ClinVar variation 2087678 (VCV002087678.4), dbSNP rs2539252116, ClinGen allele CA379569019.

ClinVar aggregate classification (germline): Uncertain significance (1 of 4 stars; one submission).

Submission:

Labcorp Genetics (formerly Invitae), Labcorp
Classification: Uncertain significance. Last evaluated: 2022-02-01. Review status: criteria provided, single submitter. Criteria: Invitae Variant Classification Sherloc (09022015). Collection method: clinical testing. Allele origin: germline.
Comment: This sequence change replaces methionine, which is neutral and non-polar, with valine, which is neutral and non-polar, at codon 331 of the TUB protein (p.Met331Val). This variant is not present in population databases (gnomAD no frequency). This variant has not been reported in the literature in individuals affected with TUB-related conditions. Algorithms developed to predict the effect of missense changes on protein structure and function (SIFT, PolyPhen-2, Align-GVGD) all suggest that this variant is likely to be tolerated. In summary, the available evidence is currently insufficient to determine the role of this variant in disease. Therefore, it has been classified as a Variant of Uncertain Significance.